The following is an entry in ClinVar:

ClinVar aggregate classification (germline): Likely benign (0 of 4 stars; one submission).

Conditions:
UROC1-related disorder. Also called: UROC1-related condition.

Allele frequency attached by ClinVar (database versions not stated): gnomAD 0.00001; gnomAD exomes 0.00001; ExAC 0.00003; TOPMed 0.00005.
gnomAD v4.1: 21 of 1,613,706 alleles (0.0013%); highest among the groups gnomAD compares: African/African-American, 0.0053%; no homozygotes.

Submission:

PreventionGenetics, part of Exact Sciences
Classification: Likely benign for UROC1-related condition. Last evaluated: 2019-09-26. Review status: no assertion criteria provided. Collection method: clinical testing. Allele origin: germline.
Comment: This variant is classified as likely benign based on ACMG/AMP sequence variant interpretation guidelines (Richards et al. 2015 PMID: 25741868, with internal and published modifications).

NM_144639.3(UROC1):c.1815C>T (p.Phe605=)

Gene: UROC1 (urocanate hydratase 1; minus strand). Cytogenetic location: 3q21.3.
Variant type: single nucleotide variant.
Coding change: c.1815C>T on transcript NM_144639.3 (MANE Select); coding-DNA position 1815, C replaced by T.
Protein change: p.Phe605=; no amino-acid change (phenylalanine 605 retained).
Molecular consequence: synonymous variant.
Genome position (GRCh38, 1-based): chr3:126,483,444, G>A on the plus strand (C>T on the coding strand, the complement: UROC1 is on the minus strand). VCF-style: chr3-126483444-G-A. GRCh37 (hg19) VCF-style: chr3-126202287-G-A.
Other names: c.1995C>T, p.Phe665= (NM_001165974.2).
Identifiers: ClinVar variation 3040061 (VCV003040061.2), dbSNP rs750142445, ClinGen allele CA2590841.